The following is an entry in ClinVar:

NM_024529.5(CDC73):c.204C>G (p.His68Gln)

Gene: CDC73 (cell division cycle 73; plus strand). Cytogenetic location: 1q31.2.
Variant type: single nucleotide variant.
Coding change: c.204C>G on transcript NM_024529.5 (MANE Select); coding-DNA position 204, C replaced by G.
Protein change: p.His68Gln; replaces histidine 68 with glutamine.
Molecular consequence: missense variant.
Genome position (GRCh38, 1-based): chr1:193,125,184, C>G. VCF-style: chr1-193125184-C-G. GRCh37 (hg19) VCF-style: chr1-193094314-C-G.
Other names: short protein forms H68Q.
Identifiers: ClinVar variation 2450573 (VCV002450573.2), dbSNP rs1052345208, ClinGen allele CA343973190.
Genomic context (GRCh38, chr1:193,125,184, plus strand): 5'-AGGCCAACCCAGAGAGTACTACACATTGGATTCCATTTTATTTCTACTTAATAACGTGCA[C>G]CTTTCTCATCCTGTTTATGTCCGACGTGCAGCTGTAAGTAGAATTCATTTTACTTATCTA-3'
Protein context (NP_078805.3, residues 58-78): DSILFLLNNV[His68Gln]LSHPVYVRRA

ClinVar aggregate classification (germline): Uncertain significance (1 of 4 stars; one submission).

Conditions:
Hereditary cancer-predisposing syndrome. Also called: Neoplastic Syndromes, Hereditary; Tumor predisposition; Hereditary neoplastic syndrome; Hereditary Cancer Syndrome. Identifiers: Orphanet 140162, MedGen C0027672, MeSH D009386, MONDO:0015356.

Submission:

Ambry Genetics
Classification: Uncertain significance for Hereditary cancer-predisposing syndrome. Last evaluated: 2022-12-17. Review status: criteria provided, single submitter. Criteria: Ambry Variant Classification Scheme 2023. Collection method: clinical testing. Allele origin: germline.
Comment: The p.H68Q variant (also known as c.204C>G), located in coding exon 2 of the CDC73 gene, results from a C to G substitution at nucleotide position 204. The histidine at codon 68 is replaced by glutamine, an amino acid with highly similar properties. This amino acid position is conserved. In addition, this alteration is predicted to be tolerated by in silico analysis. Since supporting evidence is limited at this time, the clinical significance of this alteration remains unclear.